The following is an entry in ClinVar:

NM_016222.4(DDX41):c.1811_1812insCATATGTTGCTAT (p.Lys604fs)

Gene: DDX41 (DEAD-box helicase 41; minus strand). Cytogenetic location: 5q35.3.
Variant type: Insertion.
Coding change: c.1811_1812insCATATGTTGCTAT on transcript NM_016222.4 (MANE Select); coding-DNA positions 1811 to 1812, CATATGTTGCTAT inserted.
Protein change: p.Lys604fs; shifts the reading frame from lysine 604.
Molecular consequence: frameshift variant.
Genome position: GRCh38 VCF-style: chr5-177511848-C-CATAGCAACATATG. GRCh37 (hg19) VCF-style: chr5-176938849-C-CATAGCAACATATG.
Other names: c.1433_1434insCATATGTTGCTAT, p.Lys478fs (NM_001321732.2, NM_001321830.2); short protein forms K478fs, K604fs.
Identifiers: ClinVar variation 3371864 (VCV003371864.2).

ClinVar aggregate classification (germline): Uncertain significance. Review status: criteria provided, multiple submitters, no conflicts (2 of 4 stars). 2 submissions from 2 submitters: Uncertain significance (2). Last evaluated 2026-01-17.

Submissions (2):

Labcorp Genetics (formerly Invitae), Labcorp
Classification: Uncertain significance. Last evaluated: 2026-01-17. Review status: criteria provided, single submitter. Criteria: Invitae Variant Classification Sherloc (09022015). Collection method: clinical testing. Allele origin: germline.
Comment: This sequence change is expected to alter the c-terminus of the DDX41 protein (p.Lys604Asnfs*?). While this is not anticipated to result in nonsense mediated decay, it is expected to disrupt the last 19 amino acid(s) of the DDX41 protein and extend the protein by an uncertain number of additional amino acid residues. This variant is not present in population databases (gnomAD no frequency). This variant has not been reported in the literature in individuals affected with DDX41-related conditions. ClinVar contains an entry for this variant (Variation ID: 3371864). Algorithms developed to predict the effect of sequence changes on RNA splicing suggest that this variant may disrupt the consensus splice site. In summary, the available evidence is currently insufficient to determine the role of this variant in disease. Therefore, it has been classified as a Variant of Uncertain Significance.

GeneDx
Classification: Uncertain significance. Last evaluated: 2024-04-07. Review status: criteria provided, single submitter. Criteria: GeneDx Variant Classification Process June 2021. Collection method: clinical testing. Allele origin: germline. Affected: yes.
Comment: Frameshift variant predicted to result in abnormal protein length as the last 19 amino acids are replaced with an unknown number of different amino acids; Has not been previously published as pathogenic or benign to our knowledge; Not observed at significant frequency in large population cohorts (gnomAD)